The following is an entry in ClinVar:

NM_001290.5(LDB2):c.1036C>T (p.Leu346=)

Genes: LDB2 (LIM domain binding 2; minus strand), LDB2-AS1 (LDB2 antisense RNA 1; plus strand). Cytogenetic location: 4p15.32.
Variant type: single nucleotide variant.
Coding change: c.1036C>T on transcript NM_001290.5 (MANE Select); coding-DNA position 1036, C replaced by T.
Protein change: p.Leu346=; no amino-acid change (leucine 346 retained).
Molecular consequence: synonymous variant. On other transcripts: 3 prime UTR variant (2).
Genome position (GRCh38, 1-based): chr4:16,502,729, G>A on the plus strand (C>T on the coding strand, the complement: LDB2 is on the minus strand). VCF-style: chr4-16502729-G-A. GRCh37 (hg19) VCF-style: chr4-16504352-G-A.
Other names: c.*183C>T (NM_001130834.3); c.1030C>T, p.Leu344= (NM_001304434.2); c.*352C>T (NM_001304435.2).
Identifiers: ClinVar variation 4083596 (VCV004083596.8).

ClinVar aggregate classification (germline): Likely benign (1 of 4 stars; one submission).

gnomAD v4.1: 10,867 of 1,613,944 alleles (0.67%); highest among the groups gnomAD compares: Non-Finnish European, 0.74%; 45 homozygotes.

Submission:

CeGaT Center for Human Genetics Tuebingen
Classification: Likely benign. Last evaluated: 2025-07-01. Review status: criteria provided, single submitter. Criteria: CeGaT Center For Human Genetics Tuebingen Variant Classification Criteria Version 2. Collection method: clinical testing. Allele origin: germline. Affected: yes. Observed: 1 variant allele.
Comment: LDB2: BP4, BP7, BS2